The following is an entry in ClinVar:

NM_002890.3(RASA1):c.874A>G (p.Lys292Glu)

Genes: CCNH (cyclin H; minus strand), RASA1 (RAS p21 protein activator 1; plus strand). Cytogenetic location: 5q14.3.
Variant type: single nucleotide variant.
Coding change: c.874A>G on transcript NM_002890.3 (MANE Select); coding-DNA position 874, A replaced by G.
Protein change: p.Lys292Glu; replaces lysine 292 with glutamic acid.
Molecular consequence: missense variant. On other transcripts: intron variant (1).
Genome position (GRCh38, 1-based): chr5:87,333,312, A>G. VCF-style: chr5-87333312-A-G. GRCh37 (hg19) VCF-style: chr5-86629129-A-G.
Other names: c.343A>G, p.Lys115Glu (NM_022650.3); c.934-20517T>C (NM_001364075.2); short protein forms K115E, K292E.
Identifiers: ClinVar variation 1719892 (VCV001719892.6), dbSNP rs2531194914, ClinGen allele CA360378583.

ClinVar aggregate classification (germline): Uncertain significance (1 of 4 stars; one submission).

Conditions:
Capillary malformation-arteriovenous malformation syndrome. Also called: Capillary malformation-arteriovenous malformation. Identifiers: Orphanet 137667, MedGen C1842180, MONDO:0012016.

Submission:

Labcorp Genetics (formerly Invitae), Labcorp
Classification: Uncertain significance for Capillary malformation-arteriovenous malformation syndrome. Last evaluated: 2022-09-20. Review status: criteria provided, single submitter. Criteria: Invitae Variant Classification Sherloc (09022015). Collection method: clinical testing. Allele origin: germline.
Comment: This sequence change replaces lysine, which is basic and polar, with glutamic acid, which is acidic and polar, at codon 292 of the RASA1 protein (p.Lys292Glu). In summary, the available evidence is currently insufficient to determine the role of this variant in disease. Therefore, it has been classified as a Variant of Uncertain Significance. Algorithms developed to predict the effect of missense changes on protein structure and function are either unavailable or do not agree on the potential impact of this missense change (SIFT: "Deleterious"; PolyPhen-2: "Probably Damaging"; Align-GVGD: "Class C0"). This variant has not been reported in the literature in individuals affected with RASA1-related conditions. This variant is not present in population databases (gnomAD no frequency).